The following is an entry in ClinVar:

NM_000057.4(BLM):c.550C>G (p.Gln184Glu)

Gene: BLM (BLM RecQ like helicase; plus strand). Cytogenetic location: 15q26.1.
Variant type: single nucleotide variant.
Coding change: c.550C>G on transcript NM_000057.4 (MANE Select); coding-DNA position 550, C replaced by G.
Protein change: p.Gln184Glu; replaces glutamine 184 with glutamic acid.
Molecular consequence: missense variant. On other transcripts: 5 prime UTR variant (1).
Genome position (GRCh38, 1-based): chr15:90,749,818, C>G. VCF-style: chr15-90749818-C-G. GRCh37 (hg19) VCF-style: chr15-91293048-C-G.
Other names: c.550C>G, p.Gln184Glu (NM_001287246.2, NM_001287247.2); c.-742C>G (NM_001287248.2); short protein forms Q184E.
Identifiers: ClinVar variation 1748020 (VCV001748020.8), dbSNP rs971200482, ClinGen allele CA274728215.
Genomic context (GRCh38, chr15:90,749,818, plus strand): 5'-GAGACTTCAAAATCATTTGTTACACCACCCCAAAGTCACTTTGTAAGAGTAAGCACTGCT[C>G]AGAAATCAAAAAAGGGTAAGAGAAACTTTTTTAAAGCACAGCTTTATACAACAAACACAG-3'
Protein context (NP_000048.1, residues 174-194): QSHFVRVSTA[Gln184Glu]KSKKGKRNFF

ClinVar aggregate classification (germline): Uncertain significance. Review status: criteria provided, multiple submitters, no conflicts (2 of 4 stars). 2 submissions from 2 submitters: Uncertain significance (2). Last evaluated 2025-11-23.

Conditions:
Hereditary cancer-predisposing syndrome. Also called: Hereditary Cancer Syndrome; Hereditary neoplastic syndrome; Neoplastic Syndromes, Hereditary; Tumor predisposition. Identifiers: Orphanet 140162, MedGen C0027672, MeSH D009386, MONDO:0015356.
Bloom syndrome (BLM). Also called: Bloom-Torre-Machacek syndrome. Identifiers: Orphanet 125, MedGen C0005859, MONDO:0008876, OMIM 210900.

Allele frequency attached by ClinVar (database versions not stated): gnomAD 0.00001.
gnomAD v4.1: 2 of 1,591,306 alleles (0.00013%); highest among the groups gnomAD compares: African/African-American, 0.0027%; no homozygotes.

Submissions (2):

Ambry Genetics
Classification: Uncertain significance for Hereditary cancer-predisposing syndrome. Last evaluated: 2025-11-23. Review status: criteria provided, single submitter. Criteria: Ambry Variant Classification Scheme 2023. Collection method: clinical testing. Allele origin: germline.
Comment: The p.Q184E variant (also known as c.550C>G), located in coding exon 2 of the BLM gene, results from a C to G substitution at nucleotide position 550. The glutamine at codon 184 is replaced by glutamic acid, an amino acid with highly similar properties. This amino acid position is well conserved in available vertebrate species. In addition, this alteration is predicted to be tolerated by in silico analysis. Since supporting evidence is limited at this time, the clinical significance of this alteration remains unclear.

Labcorp Genetics (formerly Invitae), Labcorp
Classification: Uncertain significance for Bloom syndrome. Last evaluated: 2024-04-04. Review status: criteria provided, single submitter. Criteria: Invitae Variant Classification Sherloc (09022015). Collection method: clinical testing. Allele origin: germline.
Comment: This sequence change replaces glutamine, which is neutral and polar, with glutamic acid, which is acidic and polar, at codon 184 of the BLM protein (p.Gln184Glu). This variant is present in population databases (no rsID available, gnomAD 0.01%). This variant has not been reported in the literature in individuals affected with BLM-related conditions. ClinVar contains an entry for this variant (Variation ID: 1748020). An algorithm developed to predict the effect of missense changes on protein structure and function (PolyPhen-2) suggests that this variant¬†is likely to be tolerated. In summary, the available evidence is currently insufficient to determine the role of this variant in disease. Therefore, it has been classified as a Variant of Uncertain Significance.